The following is an entry in ClinVar:

ClinVar aggregate classification (germline): Uncertain significance (1 of 4 stars; one submission).

gnomAD v4.1: 1 of 1,550,380 alleles (0.000065%); highest among the groups gnomAD compares: Non-Finnish European, 0.000088%; no homozygotes.

Submission:

GeneDx
Classification: Uncertain significance. Last evaluated: 2025-07-25. Review status: criteria provided, single submitter. Criteria: GeneDx Variant Classification Process June 2021. Collection method: clinical testing. Allele origin: germline. Affected: yes.
Comment: Not observed at significant frequency in large population cohorts (gnomAD); In silico analysis supports that this missense variant has a deleterious effect on protein structure/function; Has not been previously published as pathogenic or benign to our knowledge

NM_001822.7(CHN1):c.286A>G (p.Arg96Gly)

Gene: CHN1 (chimerin 1; minus strand). Cytogenetic location: 2q31.1.
Variant type: single nucleotide variant.
Coding change: c.286A>G on transcript NM_001822.7 (MANE Select); coding-DNA position 286, A replaced by G.
Protein change: p.Arg96Gly; replaces arginine 96 with glycine.
Molecular consequence: missense variant.
Genome position (GRCh38, 1-based): chr2:174,878,103, T>C on the plus strand (A>G on the coding strand, the complement: CHN1 is on the minus strand). VCF-style: chr2-174878103-T-C. GRCh37 (hg19) VCF-style: chr2-175742831-T-C.
Other names: c.286A>G, p.Arg96Gly (NM_001025201.4, NM_001371513.1); c.337A>G, p.Arg113Gly (NM_001371514.1); short protein forms R113G, R96G.
Identifiers: ClinVar variation 4755815 (VCV004755815.1).